The following is an entry in ClinVar:

ClinVar aggregate classification (germline): Uncertain significance (1 of 4 stars; one submission).

Allele frequency attached by ClinVar (database versions not stated): gnomAD 0.00001; gnomAD exomes 0.00001; ExAC 0.00003.
gnomAD v4.1: 17 of 1,613,884 alleles (0.0011%); highest among the groups gnomAD compares: South Asian, 0.016%; no homozygotes.

Submission:

Labcorp Genetics (formerly Invitae), Labcorp
Classification: Uncertain significance. Last evaluated: 2022-03-11. Review status: criteria provided, single submitter. Criteria: Invitae Variant Classification Sherloc (09022015). Collection method: clinical testing. Allele origin: germline.
Comment: This sequence change replaces arginine, which is basic and polar, with threonine, which is neutral and polar, at codon 204 of the ADAM9 protein (p.Arg204Thr). This variant is present in population databases (rs755286802, gnomAD 0.02%). This variant has not been reported in the literature in individuals affected with ADAM9-related conditions. Algorithms developed to predict the effect of missense changes on protein structure and function are either unavailable or do not agree on the potential impact of this missense change (SIFT: "Deleterious"; PolyPhen-2: "Benign"; Align-GVGD: "Class C25"). Algorithms developed to predict the effect of sequence changes on RNA splicing suggest that this variant may disrupt the consensus splice site. In summary, the available evidence is currently insufficient to determine the role of this variant in disease. Therefore, it has been classified as a Variant of Uncertain Significance.

NM_003816.3(ADAM9):c.611G>C (p.Arg204Thr)

Gene: ADAM9 (ADAM metallopeptidase domain 9; plus strand). Cytogenetic location: 8p11.22.
Variant type: single nucleotide variant.
Coding change: c.611G>C on transcript NM_003816.3 (MANE Select); coding-DNA position 611, G replaced by C.
Protein change: p.Arg204Thr; replaces arginine 204 with threonine.
Molecular consequence: missense variant. On other transcripts: non-coding transcript variant (3).
Genome position (GRCh38, 1-based): chr8:39,018,857, G>C. VCF-style: chr8-39018857-G-C. GRCh37 (hg19) VCF-style: chr8-38876376-G-C.
Other names: short protein forms R204T.
Identifiers: ClinVar variation 2075261 (VCV002075261.1), dbSNP rs755286802, ClinGen allele CA4721387.